The following is an entry in ClinVar:

NM_006767.4(LZTR1):c.2341G>T (p.Asp781Tyr)

Gene: LZTR1 (leucine zipper like post translational regulator 1; plus strand). Cytogenetic location: 22q11.21.
Variant type: single nucleotide variant.
Coding change: c.2341G>T on transcript NM_006767.4 (MANE Select); coding-DNA position 2341, G replaced by T.
Protein change: p.Asp781Tyr; replaces aspartic acid 781 with tyrosine.
Molecular consequence: missense variant.
Genome position (GRCh38, 1-based): chr22:20,996,901, G>T. VCF-style: chr22-20996901-G-T. GRCh37 (hg19) VCF-style: chr22-21351190-G-T.
Other names: short protein forms D781Y.
Identifiers: ClinVar variation 1789876 (VCV001789876.2), dbSNP rs1319833160, ClinGen allele CA410780992.
Genomic context (GRCh38, chr22:20,996,901, plus strand): 5'-TGAGTGGGTGAAAGGGGCAGCGCCTCAAGGTCCCTGCCATTGCAGATCCTGGAGGCAGCT[G>T]ACAAAACGCAGGCACTGGACATGAAGCGGCACTGCCTGCACATCATTGTGCACCAGTTCA-3'
Protein context (NP_006758.2, residues 771-791): QNVLQILEAA[Asp781Tyr]KTQALDMKRH

ClinVar aggregate classification (germline): Uncertain significance (1 of 4 stars; one submission).

Conditions:
Hereditary cancer-predisposing syndrome. Also called: Hereditary Cancer Syndrome; Hereditary neoplastic syndrome; Tumor predisposition; Neoplastic Syndromes, Hereditary. Identifiers: Orphanet 140162, MedGen C0027672, MeSH D009386, MONDO:0015356.
Cardiovascular phenotype. Identifiers: MedGen CN230736.

Submission:

Ambry Genetics
Classification: Uncertain significance for Cardiovascular phenotype; Hereditary cancer-predisposing syndrome. Last evaluated: 2021-12-29. Review status: criteria provided, single submitter. Criteria: Ambry Variant Classification Scheme 2023. Collection method: clinical testing. Allele origin: germline.
Comment: The p.D781Y variant (also known as c.2341G>T), located in coding exon 20 of the LZTR1 gene, results from a G to T substitution at nucleotide position 2341. The aspartic acid at codon 781 is replaced by tyrosine, an amino acid with highly dissimilar properties. This amino acid position is highly conserved in available vertebrate species. In addition, this alteration is predicted to be deleterious by in silico analysis. Since supporting evidence is limited at this time, the clinical significance of this alteration remains unclear.